The following is an entry in ClinVar:

NM_021783.5(EDA2R):c.518-185C>A

Gene: EDA2R (ectodysplasin A2 receptor; minus strand). Cytogenetic location: Xq12.
Variant type: single nucleotide variant.
Coding change: c.518-185C>A on transcript NM_021783.5 (MANE Select); 185 bases into the intron before coding-DNA position 518, C replaced by A.
Molecular consequence: intron variant. On other transcripts: missense variant (1).
Genome position (GRCh38, 1-based): chrX:66,600,045, G>T on the plus strand (C>A on the coding strand, the complement: EDA2R is on the minus strand). VCF-style: chrX-66600045-G-T. GRCh37 (hg19) VCF-style: chrX-65819887-G-T.
Other names: c.568C>A, p.Pro190Thr (NM_001242310.1); c.146-185C>A (NM_001324202.2, NM_001324199.2); c.416-179C>A (NM_001324201.2); c.518-185C>A (NM_001199687.3); c.221-185C>A (NM_001324205.2); c.221-179C>A (NM_001324204.2); c.518-179C>A (NM_001324206.2); short protein forms P190T.
Identifiers: ClinVar variation 5035710 (VCV005035710.1).

ClinVar aggregate classification (germline): Uncertain significance (1 of 4 stars; one submission).

gnomAD v4.1: 11 of 1,159,290 alleles (0.00095%); highest among the groups gnomAD compares: Non-Finnish European, 0.0012%; no homozygotes.

Submission:

Ambry Genetics
Classification: Uncertain significance. Last evaluated: 2026-08-12. Review status: criteria provided, single submitter. Criteria: Ambry Variant Classification Scheme 2023. Collection method: clinical testing. Allele origin: germline.
Comment: The c.568C>A (p.P190T) alteration is located in exon 5 (coding exon 5) of the EDA2R gene. This alteration results from a C to A substitution at nucleotide position 568, causing the proline (P) at amino acid position 190 to be replaced by a threonine (T). Based on data from gnomAD, the A allele has an overall frequency of 0.001% (1/105915) total alleles studied. The highest observed frequency was 0.003% (1/39525) of European (non-Finnish) alleles. Based on insufficient or conflicting evidence, the clinical significance of this alteration remains unclear.